The following is an entry in ClinVar:

NM_022124.6(CDH23):c.761C>T (p.Thr254Met)

Gene: CDH23 (cadherin related 23; plus strand). Cytogenetic location: 10q22.1.
Variant type: single nucleotide variant.
Coding change: c.761C>T on transcript NM_022124.6 (MANE Select); coding-DNA position 761, C replaced by T.
Protein change: p.Thr254Met; replaces threonine 254 with methionine.
Molecular consequence: missense variant.
Genome position (GRCh38, 1-based): chr10:71,577,921, C>T. VCF-style: chr10-71577921-C-T. GRCh37 (hg19) VCF-style: chr10-73337678-C-T.
Other names: c.761C>T, p.Thr254Met (NM_001171930.2, NM_001171931.2, NM_001171932.2 and 1 more transcripts); short protein forms T254M.
Identifiers: ClinVar variation 1524721 (VCV001524721.5), dbSNP rs750201320, ClinGen allele CA5543544.
Genomic context (GRCh38, chr10:71,577,921, plus strand): 5'-GAAAGACAGCAGCCAGGGGACCCAAACTCAAGTCCCTCCTCTCTTCTGCCCAGGGCACGA[C>T]GGTGCGCATCATCACCGCCATAGACCAGGATAAAGGACGTCCCCGGGGCATTGGCTACAC-3'
Protein context (NP_071407.4, residues 244-264): NIYEHSPPGT[Thr254Met]VRIITAIDQD

ClinVar aggregate classification (germline): Uncertain significance (1 of 4 stars; one submission).

Allele frequency attached by ClinVar (database versions not stated): gnomAD 0.00001; gnomAD exomes 0.00002 and 0.00003; TOPMed 0.00002; ExAC 0.00005.
gnomAD v4.1: 29 of 1,597,636 alleles (0.0018%); highest among the groups gnomAD compares: South Asian, 0.02%; no homozygotes.

Submission:

Labcorp Genetics (formerly Invitae), Labcorp
Classification: Uncertain significance. Last evaluated: 2022-07-05. Review status: criteria provided, single submitter. Criteria: Invitae Variant Classification Sherloc (09022015). Collection method: clinical testing. Allele origin: germline.
Comment: This sequence change replaces threonine, which is neutral and polar, with methionine, which is neutral and non-polar, at codon 254 of the CDH23 protein (p.Thr254Met). This variant is present in population databases (rs750201320, gnomAD 0.02%). This variant has not been reported in the literature in individuals affected with CDH23-related conditions. ClinVar contains an entry for this variant (Variation ID: 1524721). Algorithms developed to predict the effect of missense changes on protein structure and function are either unavailable or do not agree on the potential impact of this missense change (SIFT: "Deleterious"; PolyPhen-2: "Not Available"; Align-GVGD: "Class C0"). In summary, the available evidence is currently insufficient to determine the role of this variant in disease. Therefore, it has been classified as a Variant of Uncertain Significance.